The following is an entry in ClinVar:

ClinVar aggregate classification (germline): Uncertain significance (1 of 4 stars; one submission).

Conditions:
Dilated cardiomyopathy 1AA (CMD1AA). Also called: CARDIOMYOPATHY, DILATED, 1AA, WITH OR WITHOUT LEFT VENTRICULAR NONCOMPACTION; CARDIOMYOPATHY, FAMILIAL HYPERTROPHIC, 23, WITH OR WITHOUT LEFT VENTRICULAR NONCOMPACTION; Cardiomyopathy, dilated, 1AA, with or without LVNC. Identifiers: Orphanet 154, MedGen C2677338, MONDO:0012808, OMIM 612158.
Primary familial hypertrophic cardiomyopathy (HCM). Identifiers: Orphanet 99739, MedGen C0949658, MeSH D024741, MONDO:0024573. Inheritance: Various modes of inheritance.

Submission:

Labcorp Genetics (formerly Invitae), Labcorp
Classification: Uncertain significance for Primary familial hypertrophic cardiomyopathy; Dilated cardiomyopathy 1AA. Last evaluated: 2025-12-09. Review status: criteria provided, single submitter. Criteria: Invitae Variant Classification Sherloc (09022015). Collection method: clinical testing. Allele origin: germline.
Comment: This sequence change replaces asparagine, which is neutral and polar, with serine, which is neutral and polar, at codon 126 of the ACTN2 protein (p.Asn126Ser). This variant is not present in population databases (gnomAD no frequency). This missense change has been observed in individual(s) with sudden unexpected infant death (PMID: 38895864). Experimental studies and prediction algorithms are not available or were not evaluated, and the functional significance of this variant is currently unknown. In summary, the available evidence is currently insufficient to determine the role of this variant in disease. Therefore, it has been classified as a Variant of Uncertain Significance.

Literature cited by the submitters: PubMed 38895864.

NM_001103.4(ACTN2):c.377_378inv (p.Asn126Ser)

Gene: ACTN2 (actinin alpha 2; plus strand). Cytogenetic location: 1q43.
Variant type: Inversion.
Coding change: c.377_378inv on transcript NM_001103.4 (MANE Select).
Protein change: p.Asn126Ser; replaces asparagine 126 with serine.
Molecular consequence: missense variant. On other transcripts: non-coding transcript variant (1).
Genome position: GRCh38 VCF-style: chr1-236720120-AC-GT. GRCh37 (hg19) VCF-style: chr1-236883420-AC-GT.
Other names: c.377_378inv, p.Asn126Ser (NM_001278343.2); short protein forms N126S.
Identifiers: ClinVar variation 4787852 (VCV004787852.1).